The following is an entry in ClinVar:

NM_001267550.2(TTN):c.7864A>G (p.Ile2622Val)

Gene: TTN (titin; minus strand). Cytogenetic location: 2q31.2.
Variant type: single nucleotide variant.
Coding change: c.7864A>G on transcript NM_001267550.2 (MANE Select); coding-DNA position 7864, A replaced by G.
Protein change: p.Ile2622Val; replaces isoleucine 2622 with valine.
Molecular consequence: missense variant.
Genome position (GRCh38, 1-based): chr2:178,771,463, T>C on the plus strand (A>G on the coding strand, the complement: TTN is on the minus strand). VCF-style: chr2-178771463-T-C. GRCh37 (hg19) VCF-style: chr2-179636190-T-C.
Other names: p.I2622V:ATC>GTC; c.7864A>G, p.Ile2622Val (NM_001256850.1, NM_133378.4, NM_133379.5); c.7726A>G, p.Ile2576Val (NM_003319.4, NM_133432.3, NM_133437.4); short protein forms I2622V, I2576V.
Identifiers: ClinVar variation 203157 (VCV000203157.2), dbSNP rs148394362, ClinGen allele CA311495.

ClinVar aggregate classification (germline): Uncertain significance (1 of 4 stars; one submission).

Allele frequency attached by ClinVar (database versions not stated): ExAC 0.00001; gnomAD 0.00001 and 0.00002; gnomAD exomes 0.00001; ESP Exome Variant Server 0.00008; 1000 Genomes Project 30x 0.00016; 1000 Genomes Project 0.00020.
gnomAD v4.1: 6 of 1,613,910 alleles (0.00037%); highest among the groups gnomAD compares: East Asian, 0.0045%; no homozygotes.

Submission:

GeneDx
Classification: Uncertain significance. Last evaluated: 2013-09-17. Review status: criteria provided, single submitter. Criteria: GeneDx Variant Classification (06012015). Collection method: clinical testing. Allele origin: germline. Affected: yes.
Comment: Missense variants in the TTN gene are considered 'unclassified' if they are not previously reported in the literature and do not have >1% frequency in the population to be considered a polymorphism. Research indicates that truncating mutations in the TTN gene are expected to account for approximately 25% of familial and 18% of sporadic idiopathic DCM; however, truncating variants in the TTN gene have been reported in approximately 3% of reported control alleles. There has been little investigation into non-truncating variants. (Herman D et al. Truncations of titin causing dilated cardiomyopathy. N Eng J Med 366:619-628, 2012) The variant is found in DCM panel(s).